The following is an entry in ClinVar:

NM_002691.4(POLD1):c.1424A>G (p.Asn475Ser)

Gene: POLD1 (DNA polymerase delta 1, catalytic subunit; plus strand). Cytogenetic location: 19q13.33.
Variant type: single nucleotide variant.
Coding change: c.1424A>G on transcript NM_002691.4 (MANE Select); coding-DNA position 1424, A replaced by G.
Protein change: p.Asn475Ser; replaces asparagine 475 with serine.
Molecular consequence: missense variant. On other transcripts: non-coding transcript variant (1).
Genome position (GRCh38, 1-based): chr19:50,406,447, A>G. VCF-style: chr19-50406447-A-G. GRCh37 (hg19) VCF-style: chr19-50909704-A-G.
Other names: c.1424A>G, p.Asn475Ser (NM_001256849.1, NM_001308632.1); short protein forms N475S.
Identifiers: ClinVar variation 421080 (VCV000421080.15), dbSNP rs1064794896, ClinGen allele CA16620890.

ClinVar aggregate classification (germline): Uncertain significance. Review status: criteria provided, multiple submitters, no conflicts (2 of 4 stars). 3 submissions from 3 submitters: Uncertain significance (3). Last evaluated 2025-12-19.

Conditions:
Hereditary cancer-predisposing syndrome. Also called: Neoplastic Syndromes, Hereditary; Hereditary neoplastic syndrome; Tumor predisposition; Hereditary Cancer Syndrome. Identifiers: Orphanet 140162, MedGen C0027672, MeSH D009386, MONDO:0015356.
POLD1-related polyposis and colorectal cancer syndrome (CRCS10). Also called: Colorectal cancer 10; COLORECTAL CANCER, SUSCEPTIBILITY TO, ON CHROMOSOME 19q; Colorectal cancer, susceptibility to, 10. Identifiers: Orphanet 220460, MedGen C2675481, MONDO:0012953, OMIM 612591.

Submissions (3):

Labcorp Genetics (formerly Invitae), Labcorp
Classification: Uncertain significance for POLD1-related polyposis and colorectal cancer syndrome. Last evaluated: 2025-12-19. Review status: criteria provided, single submitter. Criteria: Invitae Variant Classification Sherloc (09022015). Collection method: clinical testing. Allele origin: germline.
Comment: This sequence change replaces asparagine, which is neutral and polar, with serine, which is neutral and polar, at codon 475 of the POLD1 protein (p.Asn475Ser). This variant is not present in population databases (gnomAD no frequency). This variant has not been reported in the literature in individuals affected with POLD1-related conditions. ClinVar contains an entry for this variant (Variation ID: 421080). Invitae Evidence Modeling of protein sequence and biophysical properties (such as structural, functional, and spatial information, amino acid conservation, physicochemical variation, residue mobility, and thermodynamic stability) indicates that this missense variant is expected to disrupt POLD1 protein function with a positive predictive value of 80%. In summary, the available evidence is currently insufficient to determine the role of this variant in disease. Therefore, it has been classified as a Variant of Uncertain Significance.

Ambry Genetics
Classification: Uncertain significance for Hereditary cancer-predisposing syndrome. Last evaluated: 2025-10-27. Review status: criteria provided, single submitter. Criteria: Ambry Variant Classification Scheme 2023. Collection method: clinical testing. Allele origin: germline.
Comment: The p.N475S variant (also known as c.1424A>G), located in coding exon 11 of the POLD1 gene, results from an A to G substitution at nucleotide position 1424. The asparagine at codon 475 is replaced by serine, an amino acid with highly similar properties. This amino acid position is highly conserved in available vertebrate species. In addition, this alteration is predicted to be tolerated by in silico analysis. Since supporting evidence is limited at this time, the clinical significance of this alteration remains unclear.

GeneDx
Classification: Uncertain significance. Last evaluated: 2016-04-29. Review status: criteria provided, single submitter. Criteria: GeneDx Variant Classification (06012015). Collection method: clinical testing. Allele origin: germline. Affected: yes.
Comment: This variant is denoted POLD1 c.1424A>G at the cDNA level, p.Asn475Ser (N475S) at the protein level, and results in the change of an Asparagine to a Serine (AAT>AGT). This variant has not, to our knowledge, been published in the literature as pathogenic or benign. POLD1 Asn475Ser was not observed in approximately 6,500 individuals of European and African American ancestry in the NHLBI Exome Sequencing Project, suggesting it is not a common benign variant in these populations. Since Asparagine and Serine share similar properties, this is considered a conservative amino acid substitution. POLD1 Asn475Ser occurs at a position that is conserved across species and is located within the Exo IV motif of the exonuclease domain (Shevelev 2002, Preston 2010). In silico analyses predict that this variant is probably damaging to protein structure and function. Based on currently available evidence, it is unclear whether POLD1 Asn475Ser is a pathogenic or benign variant. We consider it to be a variant of uncertain significance.